The following is an entry in ClinVar:

ClinVar aggregate classification (germline): Uncertain significance. Review status: criteria provided, multiple submitters, no conflicts (2 of 4 stars). 2 submissions from 2 submitters: Uncertain significance (2). Last evaluated 2025-03-18.

Conditions:
Brugada syndrome 8 (BRGDA8). Identifiers: Orphanet 130, MedGen C2751083, MONDO:0013148, OMIM 613123.
Cardiovascular phenotype. Identifiers: MedGen CN230736.

Allele frequency attached by ClinVar (database versions not stated): TOPMed below 0.00001.

Submissions (2):

Ambry Genetics
Classification: Uncertain significance for Cardiovascular phenotype. Last evaluated: 2025-03-18. Review status: criteria provided, single submitter. Criteria: Ambry Variant Classification Scheme 2023. Collection method: clinical testing. Allele origin: germline.
Comment: The p.M233I variant (also known as c.699G>A), located in coding exon 1 of the HCN4 gene, results from a G to A substitution at nucleotide position 699. The methionine at codon 233 is replaced by isoleucine, an amino acid with highly similar properties. This amino acid position is conserved. In addition, the in silico prediction for this alteration is inconclusive. Based on the available evidence, the clinical significance of this variant remains unclear.

Labcorp Genetics (formerly Invitae), Labcorp
Classification: Uncertain significance for Brugada syndrome 8. Last evaluated: 2021-10-20. Review status: criteria provided, single submitter. Criteria: Invitae Variant Classification Sherloc (09022015). Collection method: clinical testing. Allele origin: germline.
Comment: This sequence change replaces methionine with isoleucine at codon 233 of the HCN4 protein (p.Met233Ile). The methionine residue is highly conserved and there is a small physicochemical difference between methionine and isoleucine. This variant is not present in population databases (ExAC no frequency). This variant has not been reported in the literature in individuals affected with HCN4-related conditions. Advanced modeling of protein sequence and biophysical properties (such as structural, functional, and spatial information, amino acid conservation, physicochemical variation, residue mobility, and thermodynamic stability) performed at Invitae indicates that this missense variant is not expected to disrupt HCN4 protein function. In summary, the available evidence is currently insufficient to determine the role of this variant in disease. Therefore, it has been classified as a Variant of Uncertain Significance.

NM_005477.3(HCN4):c.699G>A (p.Met233Ile)

Gene: HCN4 (hyperpolarization activated cyclic nucleotide gated potassium channel 4; minus strand). Cytogenetic location: 15q24.1.
Variant type: single nucleotide variant.
Coding change: c.699G>A on transcript NM_005477.3 (MANE Select); coding-DNA position 699, G replaced by A.
Protein change: p.Met233Ile; replaces methionine 233 with isoleucine.
Molecular consequence: missense variant.
Genome position (GRCh38, 1-based): chr15:73,367,572, C>T on the plus strand (G>A on the coding strand, the complement: HCN4 is on the minus strand). VCF-style: chr15-73367572-C-T. GRCh37 (hg19) VCF-style: chr15-73659913-C-T.
Other names: c.699G>A (NM_005477.2); short protein forms M233I.
Identifiers: ClinVar variation 1484148 (VCV001484148.8), dbSNP rs2043134154, ClinGen allele CA393097199.